The following is an entry in ClinVar:

NC_000016.10:g.67660391G>A

Genes: ACD (ACD shelterin complex subunit and telomerase recruitment factor; minus strand), LOC130059224 (ATAC-STARR-seq lymphoblastoid silent region 7617; plus strand). Cytogenetic location: 16q22.1.
Variant type: single nucleotide variant.
Genome position: GRCh38 VCF-style: chr16-67660391-G-A. GRCh37 (hg19) VCF-style: chr16-67694294-G-A.
Other names: short protein forms H30Y.
Identifiers: ClinVar variation 963474 (VCV000963474.12), dbSNP rs376813282, ClinGen allele CA8114921.

ClinVar aggregate classification (germline): Uncertain significance. Review status: criteria provided, multiple submitters, no conflicts (2 of 4 stars). 2 submissions from 2 submitters: Uncertain significance (2). Last evaluated 2025-12-24.

Conditions:
Inborn genetic diseases. Identifiers: MedGen C0950123, MeSH D030342.
Dyskeratosis congenita, autosomal dominant 6 (DKCA6). Identifiers: Orphanet 3322, MedGen C4225284, MONDO:0014690, OMIM 616553.

Allele frequency attached by ClinVar (database versions not stated): gnomAD exomes 0.00001; ExAC 0.00001; ESP Exome Variant Server 0.00008.

Submissions (2):

Labcorp Genetics (formerly Invitae), Labcorp
Classification: Uncertain significance for Dyskeratosis congenita, autosomal dominant 6. Last evaluated: 2025-12-24. Review status: criteria provided, single submitter. Criteria: Invitae Variant Classification Sherloc (09022015). Collection method: clinical testing. Allele origin: germline.
Comment: This sequence change replaces histidine, which is basic and polar, with tyrosine, which is neutral and polar, at codon 30 of the ACD protein (p.His30Tyr). The frequency data for this variant in the population databases is considered unreliable, as metrics indicate poor data quality at this position in the gnomAD database. This variant has not been reported in the literature in individuals affected with ACD-related conditions. ClinVar contains an entry for this variant (Variation ID: 963474). An algorithm developed to predict the effect of missense changes on protein structure and function (PolyPhen-2) suggests that this variant is likely to be tolerated. In summary, the available evidence is currently insufficient to determine the role of this variant in disease. Therefore, it has been classified as a Variant of Uncertain Significance.

Ambry Genetics
Classification: Uncertain significance for Inborn genetic diseases. Last evaluated: 2023-04-23. Review status: criteria provided, single submitter. Criteria: Ambry Variant Classification Scheme 2023. Collection method: clinical testing. Allele origin: germline.
Comment: The p.H30Y variant (also known as c.88C>T), located in coding exon 1 of the ACD gene, results from a C to T substitution at nucleotide position 88. The histidine at codon 30 is replaced by tyrosine, an amino acid with similar properties. This amino acid position is conserved. In addition, this alteration is predicted to be tolerated by in silico analysis. Since supporting evidence is limited at this time, the clinical significance of this alteration remains unclear.